The following is an entry in ClinVar:

NM_000075.4(CDK4):c.*6G>A

Genes: TSPAN31 (tetraspanin 31; plus strand), CDK4 (cyclin dependent kinase 4; minus strand). Cytogenetic location: 12q14.1.
Variant type: single nucleotide variant.
Coding change: c.*6G>A on transcript NM_000075.4 (MANE Select); 6 bases downstream of the stop codon, G replaced by A.
Molecular consequence: 3 prime UTR variant.
Genome position (GRCh38, 1-based): chr12:57,748,519, C>T on the plus strand (G>A on the coding strand, the complement: CDK4 is on the minus strand). VCF-style: chr12-57748519-C-T. GRCh37 (hg19) VCF-style: chr12-58142302-C-T.
Other names: c.*1229C>T (NM_001330168.2, NM_001330169.2, NM_005981.5).
Identifiers: ClinVar variation 3378751 (VCV003378751.1).
Genomic context (GRCh38, chr12:57,748,519, plus strand): 5'-TTGCCCTCTCAGTGTCCAGAAGGGAAATGGCAGCTTTTCTTCCTTCCATGGCAGCCACTC[C>T]ATTGCTCACTCCGGATTACCTTCATCCTTATGTAGATAAGAGTGCTGCAGAGCTCGAAAG-3'

ClinVar aggregate classification (germline): Benign (1 of 4 stars; one submission).

Conditions:
Melanoma, cutaneous malignant, susceptibility to, 3. Also called: Cutaneous malignant melanoma 3. Identifiers: Orphanet 618, MedGen C1836892, MONDO:0012183, OMIM 609048.

Submission:

Myriad Genetics, Inc.
Classification: Benign for Melanoma, cutaneous malignant, susceptibility to, 3. Last evaluated: 2024-09-30. Review status: criteria provided, single submitter. Criteria: Myriad Autosomal Dominant, Autosomal Recessive and X-Linked Classification Criteria (2023). Collection method: clinical testing. Allele origin: unknown.
Comment: This variant is considered benign. This variant occurs in the non-coding 3' untranslated region of the gene, and is not expected to impact protein function.